The following is an entry in ClinVar:

NM_198428.3(BBS9):c.214del (p.Val72fs)

Gene: BBS9 (Bardet-Biedl syndrome 9; plus strand). Cytogenetic location: 7p14.3.
Variant type: Deletion.
Coding change: c.214del on transcript NM_198428.3 (MANE Select); coding-DNA position 214, one base deleted (G; older notation c.214delG).
Protein change: p.Val72fs; shifts the reading frame from valine 72.
Molecular consequence: frameshift variant. On other transcripts: 5 prime UTR variant (4), non-coding transcript variant (3), intron variant (2).
Genome position (GRCh38, 1-based): chr7:33,152,802, G deleted. VCF-style (leftmost placement, unchanged base first): chr7-33152801-AG-A. GRCh37 (hg19) VCF-style: chr7-33192413-AG-A.
Other names: c.214del, p.Val72fs (NM_001348040.3, NM_001348041.4, NM_001348043.3 and 5 more transcripts); c.79del, p.Val27fs (NM_001348042.3); c.-88del (NM_001348045.3, NM_001348037.3); c.-64del (NM_001348038.3, NM_001348039.3); c.-39+22761del (NM_001348046.3, NM_001348044.3); short protein forms V27fs, V72fs.
Identifiers: ClinVar variation 975060 (VCV000975060.10), dbSNP rs1384578916, ClinGen allele CA837792023.
Genomic context (GRCh38, chr7:33,152,801, plus strand): 5'-CTTTAGCCCCCATCCTGCAAAAACAGGAGATGGAGCTCAAGCCGAAGATTTGCTTCTAGA[AG>A]TGGATCTACGAGATCCAGTACTTCAAGTGGAAGTAGGAAAGTTTGTTTCGTAAGTAAGCC-3'

ClinVar aggregate classification (germline): Pathogenic/Likely pathogenic. Review status: criteria provided, multiple submitters, no conflicts (2 of 4 stars). 4 submissions from 4 submitters: Pathogenic (1); Likely pathogenic (2). 1 of the submissions does not count toward it. Last evaluated 2025-08-16.

Conditions:
Bardet-Biedl syndrome 9 (BBS9). Identifiers: Orphanet 110, MedGen C1859567, MONDO:0014437, OMIM 615986.
Bardet-Biedl syndrome (BBS). Identifiers: Orphanet 110, MedGen C0752166, MONDO:0015229.
BBS9-related disorder. Also called: BBS9-related condition.

Allele frequency attached by ClinVar (database versions not stated): gnomAD 0.00001; gnomAD exomes 0.00001; TOPMed 0.00001.

Submissions (4):

Labcorp Genetics (formerly Invitae), Labcorp
Classification: Pathogenic for Bardet-Biedl syndrome. Last evaluated: 2025-08-16. Review status: criteria provided, single submitter. Criteria: Invitae Variant Classification Sherloc (09022015). Collection method: clinical testing. Allele origin: germline.
Comment: This sequence change creates a premature translational stop signal (p.Val72Trpfs*12) in the BBS9 gene. It is expected to result in an absent or disrupted protein product. Loss-of-function variants in BBS9 are known to be pathogenic (PMID: 16380913, 20177705). This variant is not present in population databases (gnomAD no frequency). This variant has not been reported in the literature in individuals affected with BBS9-related conditions. ClinVar contains an entry for this variant (Variation ID: 975060). For these reasons, this variant has been classified as Pathogenic.

Fulgent Genetics
Classification: Likely pathogenic for Bardet-Biedl syndrome 9. Last evaluated: 2024-01-24. Review status: criteria provided, single submitter. Criteria: ACMG Guidelines, 2015. Collection method: clinical testing. Allele origin: germline.

Victorian Clinical Genetics Services, Murdoch Childrens Research Institute
Classification: Likely pathogenic for Bardet-Biedl syndrome 9. Last evaluated: 2018-07-27. Review status: criteria provided, single submitter. Criteria: ACMG Guidelines, 2015. Collection method: clinical testing. Allele origin: unknown. Affected: yes.
Comment: A heterozygous frameshift deletion variant, NM_198428.2(BBS9):c.214delG, has been identified in exon 3 of 23 of the BBS9 gene. This deletion is predicted to create a frameshift starting at amino acid position 72, introducing a stop codon 12 residues downstream (NP_940820.1(BBS9):p.(Val72Trpfs*12)). This variant is predicted to result in loss of protein function through nonsense-mediated decay (NMD), which is a reported mechanism of pathogenicity for this gene. However, truncation of the protein as a result of an NMD-escape mechanism has not been excluded. The variant is absent in the gnomAD population database, and has not been previously reported in clinical cases. Multiple other variants resulting in a premature termination codon have been previously described as disease causing (ClinVar). Based on the information available at the time of curation, this variant has been classified as LIKELY PATHOGENIC.

PreventionGenetics, part of Exact Sciences
Classification: Pathogenic for BBS9-related condition. Last evaluated: 2024-06-12. Review status: no assertion criteria provided. Collection method: clinical testing. Allele origin: germline. Not counted in ClinVar's aggregate classification.
Comment: The BBS9 c.214delG variant is predicted to result in a frameshift and premature protein termination (p.Val72Trpfs*12). This variant has been reported in the homozygous state in an individual with Bardet-Biedl syndrome (Table S1, Forsythe et al. 2016. PubMed ID: 27659767). To our knowledge, this variant has not been reported in a large population database, indicating this variant is rare. Furthermore, loss of function variants upstream and downstream of this variant have been associated with Bardet-Biedl syndrome (Nishimura et al. 2005. PubMed ID: 16380913; Feuillan et al. 2011. PubMed ID: 21209035). This variant is interpreted as pathogenic.

Literature cited by the submitters: PubMed 16380913 (cited by Labcorp Genetics (formerly Invitae), Labcorp); PubMed 20177705 (cited by Labcorp Genetics (formerly Invitae), Labcorp).